The following is an entry in ClinVar:

ClinVar aggregate classification (germline): Uncertain significance. Review status: criteria provided, multiple submitters, no conflicts (2 of 4 stars). 2 submissions from 2 submitters: Uncertain significance (2). Last evaluated 2024-04-16.

Conditions:
Epilepsy, familial focal, with variable foci 1 (FFEVF1). Also called: DEPDC5-Related Epilepsy. Identifiers: MedGen C4551983, MONDO:0024556, OMIM 604364.
Familial focal epilepsy with variable foci (FPEVF). Identifiers: Orphanet 98820, MedGen C1858477, MONDO:0020310.

gnomAD v4.1: 4 of 1,614,056 alleles (0.00025%); highest among the groups gnomAD compares: East Asian, 0.0022%; no homozygotes.

Submissions (2):

Clinical Genomics Laboratory, Washington University in St. Louis
Classification: Uncertain significance for Epilepsy, familial focal, with variable foci 1. Last evaluated: 2024-04-16. Review status: criteria provided, single submitter. Criteria: ACMG Guidelines, 2015. Collection method: clinical testing. Allele origin: germline.
Comment: The DEPDC5 c.1566C>A (p.Asp522Glu) variant, to our knowledge, has not been reported in the medical literature. This variant is absent from the general population (gnomAD v.2.1.1), indicating it is not a common variant. Computational predictors suggest that the variant does not impact DEPDC5 function. This variant has been reported in the ClinVar database as a variant of uncertain significance by one submitter. Due to limited information, and based on ACMG/AMP guidelines for variant interpretation (Richards S et al., PMID: 25741868), the clinical significance of this variant is uncertain at this time.

Labcorp Genetics (formerly Invitae), Labcorp
Classification: Uncertain significance for Familial focal epilepsy with variable foci. Last evaluated: 2024-01-22. Review status: criteria provided, single submitter. Criteria: Invitae Variant Classification Sherloc (09022015). Collection method: clinical testing. Allele origin: germline.
Comment: This sequence change replaces aspartic acid, which is acidic and polar, with glutamic acid, which is acidic and polar, at codon 522 of the DEPDC5 protein (p.Asp522Glu). This variant is not present in population databases (gnomAD no frequency). This variant has not been reported in the literature in individuals affected with DEPDC5-related conditions. ClinVar contains an entry for this variant (Variation ID: 2078894). Experimental studies and prediction algorithms are not available or were not evaluated, and the functional significance of this variant is currently unknown. In summary, the available evidence is currently insufficient to determine the role of this variant in disease. Therefore, it has been classified as a Variant of Uncertain Significance.

NM_001242896.3(DEPDC5):c.1566C>A (p.Asp522Glu)

Gene: DEPDC5 (DEP domain containing 5, GATOR1 subcomplex subunit; plus strand). Cytogenetic location: 22q12.3.
Variant type: single nucleotide variant.
Coding change: c.1566C>A on transcript NM_001242896.3 (MANE Select); coding-DNA position 1566, C replaced by A.
Protein change: p.Asp522Glu; replaces aspartic acid 522 with glutamic acid.
Molecular consequence: missense variant. On other transcripts: non-coding transcript variant (5).
Genome position (GRCh38, 1-based): chr22:31,815,112, C>A. VCF-style: chr22-31815112-C-A. GRCh37 (hg19) VCF-style: chr22-32211098-C-A.
Other names: c.1566C>A, p.Asp522Glu (NM_001007188.4, NM_001136029.4, NM_001242897.2 and 7 more transcripts); c.1482C>A, p.Asp494Glu (NM_001369901.1, NM_001369902.1); short protein forms D522E, D494E.
Identifiers: ClinVar variation 2078894 (VCV002078894.5), dbSNP rs200893602, ClinGen allele CA411278340.
Genomic context (GRCh38, chr22:31,815,112, plus strand): 5'-CAGCCCTTCCCTACCAAGCCGCACACTGCCCACTGAGGAAGTGAGGAGCCAGGCTTCTGA[C>A]GACAGCTCCCTAGGCAAGAGTGCCAACATCCTGATGATCCCACACCCCCACCTGCACCAG-3'
Protein context (NP_001229825.1, residues 512-532): PTEEVRSQAS[Asp522Glu]DSSLGKSANI